The following is an entry in ClinVar:

NM_024120.4(NDUFAF5):c.779delG

Gene: NDUFAF5 (NADH:ubiquinone oxidoreductase complex assembly factor 5; plus strand). Cytogenetic location: 20p12.1.
Variant type: Deletion.
Coding change: c.779delG on transcript NM_024120.4; coding-DNA position 779, one base deleted (G).
Genome position (GRCh38, 1-based): chr20:13,816,463, G deleted; the last of 2 consecutive G bases (chr20:13,816,462-13,816,463); deleting either gives the same sequence. VCF-style (leftmost placement, unchanged base first): chr20-13816461-AG-A. GRCh37 (hg19) VCF-style: chr20-13797107-AG-A.
Identifiers: ClinVar variation 2183747 (VCV002183747.5), dbSNP rs1487531695, ClinGen allele CA634469916.

ClinVar aggregate classification (germline): Pathogenic/Likely pathogenic. Review status: criteria provided, multiple submitters, no conflicts (2 of 4 stars). 2 submissions from 2 submitters: Pathogenic (1); Likely pathogenic (1). Last evaluated 2024-07-01.

Conditions:
Mitochondrial complex I deficiency. Also called: NADH:Q(1) OXIDOREDUCTASE DEFICIENCY. Identifiers: Orphanet 2609, MedGen C1838979, MeSH C537475, MONDO:0100133.

Submissions (2):

Natera, Inc.
Classification: Likely pathogenic for Mitochondrial complex I deficiency. Last evaluated: 2024-07-01. Review status: criteria provided, single submitter. Criteria: Natera Variant Classification Schema (03/2026). Collection method: clinical testing. Allele origin: germline.
Comment: The c.779delG variant in NDUFAF5 is a frameshift variant predicted to shift the reading frame beginning at codon 260 and leads to a stop codon 47 codons downstream. This variant is expected to result in nonsense mediated decay, truncation, or a dysfunctional protein product. This variant is rare in the general population with a frequency below the threshold expected for the associated phenotype(s). Given the available evidence, this variant is classified as Likely Pathogenic.

Labcorp Genetics (formerly Invitae), Labcorp
Classification: Pathogenic. Last evaluated: 2023-09-28. Review status: criteria provided, single submitter. Criteria: Invitae Variant Classification Sherloc (09022015). Collection method: clinical testing. Allele origin: germline.
Comment: This sequence change creates a premature translational stop signal (p.Gly260Valfs*47) in the NDUFAF5 gene. While this is not anticipated to result in nonsense mediated decay, it is expected to disrupt the last 86 amino acid(s) of the NDUFAF5 protein. This variant is present in population databases (no rsID available, gnomAD 0.003%). This variant has not been reported in the literature in individuals affected with NDUFAF5-related conditions. ClinVar contains an entry for this variant (Variation ID: 2183747). Algorithms developed to predict the effect of sequence changes on RNA splicing suggest that this variant may disrupt the consensus splice site. This variant disrupts a region of the NDUFAF5 protein in which other variant(s) (p.Met279Arg) have been determined to be pathogenic (PMID: 29581464, 30581749, 34177781). This suggests that this is a clinically significant region of the protein, and that variants that disrupt it are likely to be disease-causing. For these reasons, this variant has been classified as Pathogenic.

Literature cited by the submitters: PubMed 29581464 (cited by Labcorp Genetics (formerly Invitae), Labcorp); PubMed 30581749 (cited by Labcorp Genetics (formerly Invitae), Labcorp); PubMed 34177781 (cited by Labcorp Genetics (formerly Invitae), Labcorp).